The following is an entry in ClinVar:

ClinVar aggregate classification (germline): Uncertain significance (1 of 4 stars; one submission).

Conditions:
Early-infantile DEE. Also called: Ohtahara syndrome; Early infantile epileptic encephalopathy with suppression bursts; Early infantile epileptic encephalopathy. Identifiers: Orphanet 1934, MedGen C0393706, MONDO:0800491.

Allele frequency attached by ClinVar (database versions not stated): gnomAD exomes 0.00001.
gnomAD v4.1: 1 of 294,030 alleles (0.00034%); highest among the groups gnomAD compares: East Asian, 0.006%; no homozygotes.

Submission:

Labcorp Genetics (formerly Invitae), Labcorp
Classification: Uncertain significance for Early-infantile DEE. Last evaluated: 2024-10-15. Review status: criteria provided, single submitter. Criteria: Invitae Variant Classification Sherloc (09022015). Collection method: clinical testing. Allele origin: germline.
Comment: This sequence change replaces proline, which is neutral and non-polar, with leucine, which is neutral and non-polar, at codon 21 of the CACNA2D2 protein (p.Pro21Leu). This variant is not present in population databases (gnomAD no frequency). This variant has not been reported in the literature in individuals affected with CACNA2D2-related conditions. ClinVar contains an entry for this variant (Variation ID: 1056043). Experimental studies and prediction algorithms are not available or were not evaluated, and the functional significance of this variant is currently unknown. In summary, the available evidence is currently insufficient to determine the role of this variant in disease. Therefore, it has been classified as a Variant of Uncertain Significance.

NM_006030.4(CACNA2D2):c.62C>T (p.Pro21Leu)

Gene: CACNA2D2 (calcium voltage-gated channel auxiliary subunit alpha2delta 2; minus strand). Cytogenetic location: 3p21.31.
Variant type: single nucleotide variant.
Coding change: c.62C>T on transcript NM_006030.4 (MANE Select); coding-DNA position 62, C replaced by T.
Protein change: p.Pro21Leu; replaces proline 21 with leucine.
Molecular consequence: missense variant. On other transcripts: intron variant (1).
Genome position (GRCh38, 1-based): chr3:50,503,362, G>A on the plus strand (C>T on the coding strand, the complement: CACNA2D2 is on the minus strand). VCF-style: chr3-50503362-G-A. GRCh37 (hg19) VCF-style: chr3-50540793-G-A.
Other names: c.62C>T, p.Pro21Leu (NM_001005505.3, NM_001174051.3); c.-2+707C>T (NM_001291101.1); short protein forms P21L.
Identifiers: ClinVar variation 1056043 (VCV001056043.6), dbSNP rs1699066211, ClinGen allele CA353000452.
Genomic context (GRCh38, chr3:50,503,362, plus strand): 5'-GGGGGCCCGGACGTCGGGCGCCGGGTGCCGGGGCCAGGGTGGGGGCCGCAGCCGGGCCAG[G>A]GGCGCGCAGTCCGCGCTGGGCCGGGCCGAGAGGCGCCGCAGGTCCGAGCCGGCACCGCCA-3'
Protein context (NP_006021.2, residues 11-31): SRPGPARTAR[Pro21Leu]WPGCGPHPGP